The following is an entry in ClinVar:

NM_000352.6(ABCC8):c.122T>C (p.Phe41Ser)

Gene: ABCC8 (ATP binding cassette subfamily C member 8; minus strand). Cytogenetic location: 11p15.1.
Variant type: single nucleotide variant.
Coding change: c.122T>C on transcript NM_000352.6 (MANE Select); coding-DNA position 122, T replaced by C.
Protein change: p.Phe41Ser; replaces phenylalanine 41 with serine.
Molecular consequence: missense variant. On other transcripts: non-coding transcript variant (1).
Genome position (GRCh38, 1-based): chr11:17,476,655, A>G on the plus strand (T>C on the coding strand, the complement: ABCC8 is on the minus strand). VCF-style: chr11-17476655-A-G. GRCh37 (hg19) VCF-style: chr11-17498202-A-G.
Other names: c.122T>C (NM_001287174.1); c.122T>C, p.Phe41Ser (NM_001287174.3, NM_001351295.2, NM_001351296.2 and 1 more transcripts); short protein forms F41S.
Identifiers: ClinVar variation 2443139 (VCV002443139.3), dbSNP rs2496929792, ClinGen allele CA379789885.

ClinVar aggregate classification (germline): Likely pathogenic. Review status: criteria provided, single submitter (1 of 4 stars). 2 submissions from 2 submitters: Likely pathogenic (1). 1 of the submissions does not count toward it. Last evaluated 2021-05-06.

Conditions:
Hyperinsulinemic hypoglycemia, familial, 1 (HHF1). Also called: HYPERINSULINISM, FAMILIAL, WITH PANCREATIC NESIDIOBLASTOSIS; HYPOGLYCEMIA, HYPERINSULINEMIC, OF INFANCY; NESIDIOBLASTOSIS OF PANCREAS; Persistent Hyperinsulinemia Hypoglycemia of Infancy; Persistent hyperinsulinemic hypoglycemia of infancy. Identifiers: Orphanet 276575, Orphanet 276598, MedGen C2931832, MONDO:0009734, OMIM 256450.

Submissions (2):

Victorian Clinical Genetics Services, Murdoch Childrens Research Institute
Classification: Likely pathogenic for Hyperinsulinemic hypoglycemia, familial, 1. Last evaluated: 2021-05-06. Review status: criteria provided, single submitter. Criteria: ACMG Guidelines, 2015. Collection method: clinical testing. Allele origin: germline. Affected: yes.
Comment: Based on the classification scheme VCGS_Germline_v1.3.4, this variant is classified as likely pathogenic. Following criteria are met: 0103 - Loss- and gain-of-function are known mechanisms of disease in this gene and are associated with Congenital Hyperinsulism (CHI) and Neonatal Diabetes Mellitus (NDM), respectively (PMIDs: 32376986; 32027066). (I) 0108 - This gene is known to be associated with both recessive and dominant disease. The ABCC8 gene has been associated with both autosomal recessive and dominant NDM and CHI (PMID: 32027066). (I) 0200 - Variant is predicted to result in a missense amino acid change from phenylalanine to serine. (I) 0251 - Variant is heterozygous. (I) 0301 - Variant is absent from gnomAD (both v2 and v3). (SP) 0501 - Missense variant consistently predicted to be damaging by multiple in silico tools and highly conserved with a major amino acid change. (SP) 0600 - Variant is located in the annotated helical transmembrane motif (UniProt). (I) 0710 - Another missense variant comparable to the one identified in this case has inconclusive previous evidence for pathogenicity. The p.(Phe41Leu) comparable variant identified in an individual with diabetes has previously been classified as a VUS (PMID: 32027066). (I) 0807 - This variant has no previous evidence of pathogenicity. (I) 0905 - No published segregation evidence has been identified for this variant. (I) 1007 - No published functional evidence has been identified for this variant. (I) 1102 - Strong phenotype match for this individual. (I) Legend: (SP) - Supporting pathogenic, (I) - Information, (SB) - Supporting benign

Genetic Services Laboratory, University of Chicago
Classification: Uncertain significance. Last evaluated: 2022-02-17. Review status: no assertion criteria provided. Collection method: clinical testing. Allele origin: germline. Affected: no. Not counted in ClinVar's aggregate classification.
Comment: DNA sequence analysis of the ABCC8 gene demonstrated a sequence change, c.122T>C, in exon 1 that results in an amino acid change, p.Phe41Ser. This sequence change does not appear to have been previously described in individuals with ABCC8-related disorders and has also not been described in the population databases such as ExAC and gnomAD. The p.Phe41Ser change affects a moderately conserved amino acid residue located in a domain of the ABCC8 protein that is not known to be functional. In-silico pathogenicity prediction tools (SIFT, PolyPhen2, Align GVGD) provide contradictory results for the p.Phe41Ser substitution. Due to insufficient evidence, the clinical significance of the p.Phe41Ser change remains unknown at this time.

Literature cited by the submitters: PubMed 32027066 (cited by Victorian Clinical Genetics Services, Murdoch Childrens Research Institute); PubMed 32376986 (cited by Victorian Clinical Genetics Services, Murdoch Childrens Research Institute).